The following is an entry in ClinVar:

ClinVar aggregate classification (germline): Benign. Review status: criteria provided, multiple submitters, no conflicts (2 of 4 stars). 2 submissions from 2 submitters: Benign (2). Last evaluated 2018-06-16.

Allele frequency attached by ClinVar (database versions not stated): gnomAD 0.01565 and 0.01671; 1000 Genomes Project 0.01757; TOPMed 0.01765; 1000 Genomes Project 30x 0.01968.
gnomAD v4.1: 2,359 of 152,290 alleles (1.5%); highest among the groups gnomAD compares: African/African-American, 5.4%; 70 homozygotes.

Submissions (2):

GeneDx
Classification: Benign. Last evaluated: 2018-06-16. Review status: criteria provided, single submitter. Criteria: GeneDx Variant Classification (06012015). Collection method: clinical testing. Allele origin: germline. Affected: yes.
Comment: This variant is considered likely benign or benign based on one or more of the following criteria: it is a conservative change, it occurs at a poorly conserved position in the protein, it is predicted to be benign by multiple in silico algorithms, and/or has population frequency not consistent with disease.

Breakthrough Genomics
Classification: Benign. Review status: criteria provided, single submitter. Criteria: ACMG Guidelines, 2015. Collection method: not provided. Allele origin: germline. Inheritance: Autosomal dominant inheritance. Affected: yes.

NM_001130823.3(DNMT1):c.4865-154G>A

Gene: DNMT1 (DNA methyltransferase 1; minus strand). Cytogenetic location: 19p13.2.
Variant type: single nucleotide variant.
Coding change: c.4865-154G>A on transcript NM_001130823.3 (MANE Select); 154 bases into the intron before coding-DNA position 4865, G replaced by A.
Molecular consequence: intron variant.
Genome position (GRCh38, 1-based): chr19:10,133,855, C>T on the plus strand (G>A on the coding strand, the complement: DNMT1 is on the minus strand). VCF-style: chr19-10133855-C-T. GRCh37 (hg19) VCF-style: chr19-10244531-C-T.
Other names: c.4502-154G>A (NM_001318731.2); c.4817-154G>A (NM_001379.4); c.4826-154G>A (NM_001318730.2).
Identifiers: ClinVar variation 678899 (VCV000678899.2), dbSNP rs10423673, ClinGen allele CA305217143.